The following is an entry in ClinVar:

ClinVar aggregate classification (germline): Uncertain significance (1 of 4 stars; one submission).

Conditions:
Aortic aneurysm, familial thoracic 4 (AAT4). Also called: AORTIC ANEURYSM/AORTIC DISSECTION AND PATENT DUCTUS ARTERIOSUS. Identifiers: MedGen C1851504, MONDO:0007568, OMIM 132900.

gnomAD v4.1: 2 of 1,614,150 alleles (0.00012%); highest among the groups gnomAD compares: Non-Finnish European, 0.00017%; no homozygotes.

Submission:

Labcorp Genetics (formerly Invitae), Labcorp
Classification: Uncertain significance for Aortic aneurysm, familial thoracic 4. Last evaluated: 2020-06-27. Review status: criteria provided, single submitter. Criteria: Invitae Variant Classification Sherloc (09022015). Collection method: clinical testing. Allele origin: germline.
Comment: In summary, the available evidence is currently insufficient to determine the role of this variant in disease. Therefore, it has been classified as a Variant of Uncertain Significance. Nucleotide substitutions within the consensus splice site are a relatively common cause of aberrant splicing (PMID: 17576681, 9536098). Algorithms developed to predict the effect of sequence changes on RNA splicing suggest that this variant is not likely to affect RNA splicing, but this prediction has not been confirmed by published transcriptional studies. This variant has not been reported in the literature in individuals with MYH11-related conditions. This variant is not present in population databases (ExAC no frequency). This sequence change falls in intron 22 of the MYH11 gene. It does not directly change the encoded amino acid sequence of the MYH11 protein, but it affects a nucleotide within the consensus splice site of the intron.

Literature cited by the submitters: PubMed 17576681; PubMed 9536098.

NM_002474.3(MYH11):c.2652+5C>T

Gene: MYH11 (myosin heavy chain 11; minus strand). Cytogenetic location: 16p13.11.
Variant type: single nucleotide variant.
Coding change: c.2652+5C>T on transcript NM_002474.3 (MANE Select); 5 bases into the intron after coding-DNA position 2652, C replaced by T.
Molecular consequence: intron variant.
Genome position (GRCh38, 1-based): chr16:15,741,755, G>A on the plus strand (C>T on the coding strand, the complement: MYH11 is on the minus strand). VCF-style: chr16-15741755-G-A. GRCh37 (hg19) VCF-style: chr16-15835612-G-A.
Other names: c.2652+5C>T (NM_022844.3); c.2673+5C>T (NM_001040114.2, NM_001040113.2).
Identifiers: ClinVar variation 1054745 (VCV001054745.9), dbSNP rs2151251015, ClinGen allele CA2499223236.